The following is an entry in ClinVar:

ClinVar aggregate classification (germline): Uncertain significance (1 of 4 stars; one submission).

Conditions:
Acyl-CoA oxidase deficiency. Also called: Peroxisomal acyl-CoA oxidase deficiency; STRAIGHT-CHAIN ACYL-CoA OXIDASE DEFICIENCY; Pseudoneonatal adrenoleukodystrophy. Identifiers: Orphanet 2971, MedGen C1849678, MONDO:0009919, OMIM 264470. Disease mechanism: loss of function.

Submission:

Labcorp Genetics (formerly Invitae), Labcorp
Classification: Uncertain significance for Acyl-CoA oxidase deficiency. Last evaluated: 2022-07-05. Review status: criteria provided, single submitter. Criteria: Invitae Variant Classification Sherloc (09022015). Collection method: clinical testing. Allele origin: germline.
Comment: This sequence change replaces methionine, which is neutral and non-polar, with valine, which is neutral and non-polar, at codon 86 of the ACOX1 protein (p.Met86Val). This variant is not present in population databases (gnomAD no frequency). This variant has not been reported in the literature in individuals affected with ACOX1-related conditions. ClinVar contains an entry for this variant (Variation ID: 1349192). Algorithms developed to predict the effect of missense changes on protein structure and function output the following: SIFT: "Tolerated"; PolyPhen-2: "Benign"; Align-GVGD: "Class C0". The valine amino acid residue is found in multiple mammalian species, which suggests that this missense change does not adversely affect protein function. In summary, the available evidence is currently insufficient to determine the role of this variant in disease. Therefore, it has been classified as a Variant of Uncertain Significance.

NM_004035.7(ACOX1):c.256A>G (p.Met86Val)

Gene: ACOX1 (acyl-CoA oxidase 1; minus strand). Cytogenetic location: 17q25.1.
Variant type: single nucleotide variant.
Coding change: c.256A>G on transcript NM_004035.7 (MANE Select); coding-DNA position 256, A replaced by G.
Protein change: p.Met86Val; replaces methionine 86 with valine.
Molecular consequence: missense variant.
Genome position (GRCh38, 1-based): chr17:75,978,547, T>C on the plus strand (A>G on the coding strand, the complement: ACOX1 is on the minus strand). VCF-style: chr17-75978547-T-C. GRCh37 (hg19) VCF-style: chr17-73974628-T-C.
Other names: c.142A>G, p.Met48Val (NM_001185039.2); c.256A>G, p.Met86Val (NM_007292.6); short protein forms M48V, M86V.
Identifiers: ClinVar variation 1349192 (VCV001349192.5), dbSNP rs2144330430, ClinGen allele CA401082103.
Genomic context (GRCh38, chr17:75,978,547, plus strand): 5'-TAAAGTTTAGGCTTAACAACACTTGCTCTGTTCTAAGGCATACCTACTTTTTAAACCACA[T>C]AATTTCATCAGGGTCAGCGATGCCAAACTCCCTCATCTTCTTCACCATGATGGCACTTTT-3'
Protein context (NP_004026.2, residues 76-96): EFGIADPDEI[Met86Val]WFKNFVHRGR